The following is an entry in ClinVar:

NM_006904.7(PRKDC):c.7474G>C (p.Asp2492His)

Gene: PRKDC (protein kinase, DNA-activated, catalytic subunit; minus strand). Cytogenetic location: 8q11.21.
Variant type: single nucleotide variant.
Coding change: c.7474G>C on transcript NM_006904.7 (MANE Select); coding-DNA position 7474, G replaced by C.
Protein change: p.Asp2492His; replaces aspartic acid 2492 with histidine.
Molecular consequence: missense variant.
Genome position (GRCh38, 1-based): chr8:47,839,227, C>G on the plus strand (G>C on the coding strand, the complement: PRKDC is on the minus strand). VCF-style: chr8-47839227-C-G. GRCh37 (hg19) VCF-style: chr8-48751788-C-G.
Other names: c.7474G>C, p.Asp2492His (NM_001081640.2); short protein forms D2492H.
Identifiers: ClinVar variation 834969 (VCV000834969.8), dbSNP rs2088091052, ClinGen allele CA371154766.

ClinVar aggregate classification (germline): Uncertain significance (1 of 4 stars; one submission).

Conditions:
Severe combined immunodeficiency due to DNA-PKcs deficiency. Also called: Immunodeficiency 26 with or without neurologic abnormalities; IMMUNODEFICIENCY 26 WITH NEUROLOGIC ABNORMALITIES. Identifiers: Orphanet 317425, MedGen C4014833, MONDO:0014423, OMIM 615966.

Allele frequency attached by ClinVar (database versions not stated): gnomAD exomes below 0.00001.
gnomAD v4.1: 1 of 1,613,332 alleles (0.000062%); highest among the groups gnomAD compares: Non-Finnish European, 0.000085%; no homozygotes.

Submission:

Labcorp Genetics (formerly Invitae), Labcorp
Classification: Uncertain significance for Severe combined immunodeficiency due to DNA-PKcs deficiency. Last evaluated: 2019-05-15. Review status: criteria provided, single submitter. Criteria: Invitae Variant Classification Sherloc (09022015). Collection method: clinical testing. Allele origin: germline.
Comment: Algorithms developed to predict the effect of missense changes on protein structure and function are either unavailable or do not agree on the potential impact of this missense change (SIFT: "Deleterious"; PolyPhen-2: "Not Available"; Align-GVGD: "Class C0"). In summary, the available evidence is currently insufficient to determine the role of this variant in disease. Therefore, it has been classified as a Variant of Uncertain Significance. This variant has not been reported in the literature in individuals with PRKDC-related conditions. This variant is not present in population databases (ExAC no frequency). This sequence change replaces aspartic acid with histidine at codon 2492 of the PRKDC protein (p.Asp2492His). The aspartic acid residue is highly conserved and there is a moderate physicochemical difference between aspartic acid and histidine.